The following is an entry in ClinVar:

ClinVar aggregate classification (germline): Benign (1 of 4 stars; one submission).

Conditions:
Familial cancer of breast. Also called: hereditary breast carcinoma; Hereditary breast cancer; BREAST CANCER, FAMILIAL. Identifiers: Orphanet 227535, MedGen C0346153, MONDO:0016419, OMIM 114480. Disease mechanism: loss of function.

Submission:

Myriad Genetics, Inc.
Classification: Benign for Familial cancer of breast. Last evaluated: 2024-07-25. Review status: criteria provided, single submitter. Criteria: Myriad Autosomal Dominant, Autosomal Recessive and X-Linked Classification Criteria (2023). Collection method: clinical testing. Allele origin: unknown.
Comment: This variant is considered benign. This variant is a silent/synonymous amino acid change and it is not expected to impact splicing.

NM_000465.4(BARD1):c.1575A>T (p.Ile525=)

Gene: BARD1 (BRCA1 associated RING domain 1; minus strand). Cytogenetic location: 2q35.
Variant type: single nucleotide variant.
Coding change: c.1575A>T on transcript NM_000465.4 (MANE Select); coding-DNA position 1575, A replaced by T.
Protein change: p.Ile525=; no amino-acid change (isoleucine 525 retained).
Molecular consequence: synonymous variant. On other transcripts: non-coding transcript variant (3), intron variant (1).
Genome position (GRCh38, 1-based): chr2:214,752,549, T>A on the plus strand (A>T on the coding strand, the complement: BARD1 is on the minus strand). VCF-style: chr2-214752549-T-A. GRCh37 (hg19) VCF-style: chr2-215617273-T-A.
Other names: c.1518A>T, p.Ile506= (NM_001282543.2); c.222A>T, p.Ile74= (NM_001282545.2); c.165A>T, p.Ile55= (NM_001282548.2); c.365-22041A>T (NM_001282549.2).
Identifiers: ClinVar variation 3378886 (VCV003378886.1).